The following is an entry in ClinVar:

NM_000388.4(CASR):c.1214A>G (p.Glu405Gly)

Gene: CASR (calcium sensing receptor; plus strand). Cytogenetic location: 3q21.1.
Variant type: single nucleotide variant.
Coding change: c.1214A>G on transcript NM_000388.4 (MANE Select); coding-DNA position 1214, A replaced by G.
Protein change: p.Glu405Gly; replaces glutamic acid 405 with glycine.
Molecular consequence: missense variant.
Genome position (GRCh38, 1-based): chr3:122,262,249, A>G. VCF-style: chr3-122262249-A-G. GRCh37 (hg19) VCF-style: chr3-121981096-A-G.
Other names: c.1214A>G, p.Glu405Gly (NM_001178065.2); short protein forms E405G.
Identifiers: ClinVar variation 944902 (VCV000944902.10), dbSNP rs2074636705, ClinGen allele CA354152835.

ClinVar aggregate classification (germline): Uncertain significance (1 of 4 stars; one submission).

Conditions:
Familial hypocalciuric hypercalcemia (FHH). Also called: Familial benign hypercalcemia. Identifiers: Orphanet 405, MedGen C1809471, MONDO:0018458.
Autosomal dominant hypocalcemia 1 (HYPOC1). Also called: HYPOCALCEMIA, FAMILIAL. Identifiers: MedGen C3715128, MONDO:0011013, OMIM 601198.

Submission:

Labcorp Genetics (formerly Invitae), Labcorp
Classification: Uncertain significance for Familial hypocalciuric hypercalcemia; Autosomal dominant hypocalcemia 1. Last evaluated: 2022-07-06. Review status: criteria provided, single submitter. Criteria: Invitae Variant Classification Sherloc (09022015). Collection method: clinical testing. Allele origin: germline.
Comment: In summary, the available evidence is currently insufficient to determine the role of this variant in disease. Therefore, it has been classified as a Variant of Uncertain Significance. Algorithms developed to predict the effect of missense changes on protein structure and function (SIFT, PolyPhen-2, Align-GVGD) all suggest that this variant is likely to be disruptive. ClinVar contains an entry for this variant (Variation ID: 944902). This variant has not been reported in the literature in individuals affected with CASR-related conditions. This variant is not present in population databases (gnomAD no frequency). This sequence change replaces glutamic acid, which is acidic and polar, with glycine, which is neutral and non-polar, at codon 405 of the CASR protein (p.Glu405Gly).